The following is an entry in ClinVar:

NM_000059.4(BRCA2):c.6841+640C>G

Gene: BRCA2 (BRCA2 DNA repair associated; plus strand). Cytogenetic location: 13q13.1.
Variant type: single nucleotide variant.
Coding change: c.6841+640C>G on transcript NM_000059.4 (MANE Select); 640 bases into the intron after coding-DNA position 6841, C replaced by G.
Molecular consequence: intron variant.
Genome position (GRCh38, 1-based): chr13:32,341,836, C>G. VCF-style: chr13-32341836-C-G. GRCh37 (hg19) VCF-style: chr13-32915973-C-G.
Other names: IVS 11+640C>G.
Identifiers: ClinVar variation 209694 (VCV000209694.1), dbSNP rs74729703, ClinGen allele CA276662.

ClinVar aggregate classification (germline): Benign (3 of 4 stars; one submission).

Conditions:
Breast-ovarian cancer, familial, susceptibility to, 2 (BROVCA2). Also called: BRCA2 Hereditary Breast and Ovarian Cancer. Identifiers: Orphanet 145, MedGen C2675520, MONDO:0012933, OMIM 612555. Disease mechanism: loss of function.

Allele frequency attached by ClinVar (database versions not stated): gnomAD 0.03014; 1000 Genomes Project 0.07388; 1000 Genomes Project 30x 0.07402.
gnomAD v4.1: 6,172 of 151,066 alleles (4.1%); highest among the groups gnomAD compares: South Asian, 11%; 214 homozygotes.

Submission:

Evidence-based Network for the Interpretation of Germline Mutant Alleles (ENIGMA)
Classification: Benign for Breast-ovarian cancer, familial 2. Last evaluated: 2015-01-12. Review status: reviewed by expert panel. Criteria: ENIGMA BRCA1/2 Classification Criteria (2015). Collection method: curation. Allele origin: germline.
Comment: Class 1 not pathogenic based on frequency >1% in an outbred sampleset. Frequency 0.1049 (Asian), 0.01423 (African), 0.03694 (European), derived from 1000 genomes (2012-04-30).